The following is an entry in ClinVar:

ClinVar aggregate classification (germline): Benign/Likely benign. Review status: criteria provided, multiple submitters, no conflicts (2 of 4 stars). 4 submissions from 4 submitters: Benign (1); Likely benign (3). Last evaluated 2025-08-25.

Conditions:
Familial cancer of breast. Also called: BREAST CANCER, FAMILIAL; Hereditary breast cancer; hereditary breast carcinoma. Identifiers: Orphanet 227535, MedGen C0346153, MONDO:0016419, OMIM 114480. Disease mechanism: loss of function.
Hereditary cancer-predisposing syndrome. Also called: Hereditary Cancer Syndrome; Neoplastic Syndromes, Hereditary; Tumor predisposition; Hereditary neoplastic syndrome. Identifiers: Orphanet 140162, MedGen C0027672, MeSH D009386, MONDO:0015356.

Allele frequency attached by ClinVar (database versions not stated): gnomAD 0.00001.
gnomAD v4.1: 1 of 1,614,094 alleles (0.000062%); highest among the groups gnomAD compares: East Asian, 0.0022%; no homozygotes.

Submissions (4):

Labcorp Genetics (formerly Invitae), Labcorp
Classification: Likely benign for Familial cancer of breast. Last evaluated: 2025-08-25. Review status: criteria provided, single submitter. Criteria: Invitae Variant Classification Sherloc (09022015). Collection method: clinical testing. Allele origin: germline.

Myriad Genetics, Inc.
Classification: Benign for Familial cancer of breast. Last evaluated: 2025-01-10. Review status: criteria provided, single submitter. Criteria: Myriad Autosomal Dominant, Autosomal Recessive and X-Linked Classification Criteria (2023). Collection method: clinical testing. Allele origin: unknown.
Comment: This variant is considered benign. This variant is a silent/synonymous amino acid change and it is not expected to impact splicing.

Ambry Genetics
Classification: Likely benign for Hereditary cancer-predisposing syndrome. Last evaluated: 2016-08-16. Review status: criteria provided, single submitter. Criteria: Ambry Variant Classification Scheme 2023. Collection method: clinical testing. Allele origin: germline.

Color Diagnostics, LLC DBA Color Health
Classification: Likely benign for Hereditary cancer-predisposing syndrome. Last evaluated: 2015-07-20. Review status: criteria provided, single submitter. Criteria: ACMG Guidelines, 2015. Collection method: clinical testing. Allele origin: germline.

NM_024675.4(PALB2):c.636A>G (p.Pro212=)

Gene: PALB2 (partner and localizer of BRCA2; minus strand). Cytogenetic location: 16p12.2.
Variant type: single nucleotide variant.
Coding change: c.636A>G on transcript NM_024675.4 (MANE Select); coding-DNA position 636, A replaced by G.
Protein change: p.Pro212=; no amino-acid change (proline 212 retained).
Molecular consequence: synonymous variant.
Genome position (GRCh38, 1-based): chr16:23,635,910, T>C on the plus strand (A>G on the coding strand, the complement: PALB2 is on the minus strand). VCF-style: chr16-23635910-T-C. GRCh37 (hg19) VCF-style: chr16-23647231-T-C.
Identifiers: ClinVar variation 480230 (VCV000480230.18), dbSNP rs1555461696, ClinGen allele CA494461984.